The following is an entry in ClinVar:

NM_001367561.1(DOCK7):c.1372A>G (p.Asn458Asp)

Gene: DOCK7 (dedicator of cytokinesis 7; minus strand). Cytogenetic location: 1p31.3.
Variant type: single nucleotide variant.
Coding change: c.1372A>G on transcript NM_001367561.1 (MANE Select); coding-DNA position 1372, A replaced by G.
Protein change: p.Asn458Asp; replaces asparagine 458 with aspartic acid.
Molecular consequence: missense variant.
Genome position (GRCh38, 1-based): chr1:62,625,312, T>C on the plus strand (A>G on the coding strand, the complement: DOCK7 is on the minus strand). VCF-style: chr1-62625312-T-C. GRCh37 (hg19) VCF-style: chr1-63090983-T-C.
Other names: c.1372A>G, p.Asn458Asp (NM_001271999.2, NM_001272000.2, NM_001272001.2 and 3 more transcripts); c.1372A>G (NM_033407.2); short protein forms N458D.
Identifiers: ClinVar variation 1004417 (VCV001004417.10), dbSNP rs367709207, ClinGen allele CA23773337.

ClinVar aggregate classification (germline): Uncertain significance. Review status: criteria provided, multiple submitters, no conflicts (2 of 4 stars). 2 submissions from 2 submitters: Uncertain significance (2). Last evaluated 2025-10-18.

Conditions:
Inborn genetic diseases. Identifiers: MedGen C0950123, MeSH D030342.
Developmental and epileptic encephalopathy, 23 (DEE23). Also called: Epileptic encephalopathy, early infantile, 23. Identifiers: Orphanet 411986, MedGen C4014492, MONDO:0014371, OMIM 615859.

Allele frequency attached by ClinVar (database versions not stated): gnomAD 0.00002; ESP Exome Variant Server 0.00008; gnomAD exomes 0.00001; TOPMed 0.00001.
gnomAD v4.1: 21 of 1,613,908 alleles (0.0013%); highest among the groups gnomAD compares: Non-Finnish European, 0.0018%; no homozygotes.

Submissions (2):

Ambry Genetics
Classification: Uncertain significance for Inborn genetic diseases. Last evaluated: 2025-10-18. Review status: criteria provided, single submitter. Criteria: Ambry Variant Classification Scheme 2023. Collection method: clinical testing. Allele origin: germline.
Comment: The c.1372A>G (p.N458D) alteration is located in exon 12 (coding exon 12) of the DOCK7 gene. This alteration results from a A to G substitution at nucleotide position 1372, causing the asparagine (N) at amino acid position 458 to be replaced by an aspartic acid (D). Based on data from gnomAD, the G allele has an overall frequency of 0.001% (4/282824) total alleles studied. The highest observed frequency was 0.003% (4/129146) of European (non-Finnish) alleles. Based on insufficient or conflicting evidence, the clinical significance of this alteration remains unclear.

Labcorp Genetics (formerly Invitae), Labcorp
Classification: Uncertain significance for Developmental and epileptic encephalopathy, 23. Last evaluated: 2021-03-21. Review status: criteria provided, single submitter. Criteria: Invitae Variant Classification Sherloc (09022015). Collection method: clinical testing. Allele origin: germline.
Comment: In summary, the available evidence is currently insufficient to determine the role of this variant in disease. Therefore, it has been classified as a Variant of Uncertain Significance. Algorithms developed to predict the effect of missense changes on protein structure and function (SIFT, PolyPhen-2, Align-GVGD) all suggest that this variant is likely to be tolerated, but these predictions have not been confirmed by published functional studies and their clinical significance is uncertain. This variant has not been reported in the literature in individuals with DOCK7-related conditions. This variant is not present in population databases (ExAC no frequency). This sequence change replaces asparagine with aspartic acid at codon 458 of the DOCK7 protein (p.Asn458Asp). The asparagine residue is moderately conserved and there is a small physicochemical difference between asparagine and aspartic acid.